The following is an entry in ClinVar:

NM_004525.3(LRP2):c.10108A>T (p.Ile3370Phe)

Gene: LRP2 (LDL receptor related protein 2; minus strand). Cytogenetic location: 2q31.1.
Variant type: single nucleotide variant.
Coding change: c.10108A>T on transcript NM_004525.3 (MANE Select); coding-DNA position 10108, A replaced by T.
Protein change: p.Ile3370Phe; replaces isoleucine 3370 with phenylalanine.
Molecular consequence: missense variant.
Genome position (GRCh38, 1-based): chr2:169,181,509, T>A on the plus strand (A>T on the coding strand, the complement: LRP2 is on the minus strand). VCF-style: chr2-169181509-T-A. GRCh37 (hg19) VCF-style: chr2-170038019-T-A.
Other names: short protein forms I3370F.
Identifiers: ClinVar variation 2651522 (VCV002651522.24), dbSNP rs1381322865, ClinGen allele CA349150921.

ClinVar aggregate classification (germline): Uncertain significance (1 of 4 stars; one submission).

gnomAD v4.1: 1 of 1,614,138 alleles (0.000062%); highest among the groups gnomAD compares: Non-Finnish European, 0.000085%; no homozygotes.

Submission:

CeGaT Center for Human Genetics Tuebingen
Classification: Uncertain significance. Last evaluated: 2023-03-01. Review status: criteria provided, single submitter. Criteria: CeGaT Center For Human Genetics Tuebingen Variant Classification Criteria Version 2. Collection method: clinical testing. Allele origin: germline. Affected: yes. Observed: 1 variant allele.
Comment: LRP2: PM2